The following is an entry in ClinVar:

ClinVar aggregate classification (germline): Uncertain significance (1 of 4 stars; one submission).

Conditions:
Hereditary cancer-predisposing syndrome. Also called: Tumor predisposition; Hereditary neoplastic syndrome; Hereditary Cancer Syndrome; Neoplastic Syndromes, Hereditary. Identifiers: Orphanet 140162, MedGen C0027672, MeSH D009386, MONDO:0015356.

Submission:

Color Diagnostics, LLC DBA Color Health
Classification: Uncertain significance for Hereditary cancer-predisposing syndrome. Last evaluated: 2024-03-07. Review status: criteria provided, single submitter. Criteria: ACMG Guidelines, 2015. Collection method: clinical testing. Allele origin: germline.
Comment: This missense variant replaces histidine with proline at codon 636 of the ATM protein. Computational prediction suggests that this variant may not impact protein structure and function (internally defined REVEL score threshold <= 0.5, PMID: 27666373). To our knowledge, functional studies have not been reported for this variant. This variant has not been reported in individuals affected with hereditary cancer in the literature. This variant has not been identified in the general population by the Genome Aggregation Database (gnomAD). The available evidence is insufficient to determine the role of this variant in disease conclusively. Therefore, this variant is classified as a Variant of Uncertain Significance.

NM_000051.4(ATM):c.1907A>C (p.His636Pro)

Gene: ATM (ATM serine/threonine kinase; plus strand). Cytogenetic location: 11q22.3.
Variant type: single nucleotide variant.
Coding change: c.1907A>C on transcript NM_000051.4 (MANE Select); coding-DNA position 1907, A replaced by C.
Protein change: p.His636Pro; replaces histidine 636 with proline.
Molecular consequence: missense variant.
Genome position (GRCh38, 1-based): chr11:108,253,822, A>C. VCF-style: chr11-108253822-A-C. GRCh37 (hg19) VCF-style: chr11-108124549-A-C.
Other names: c.1907A>C, p.His636Pro (NM_001351834.2); short protein forms H636P.
Identifiers: ClinVar variation 1171142 (VCV001171142.3), dbSNP rs1333990758, ClinGen allele CA382536305.
Genomic context (GRCh38, chr11:108,253,822, plus strand): 5'-GGCAAAGCATTAGGTACTTGGTTTATATATTAAAGATCTTACTTTCTTGAAGTGAACACC[A>C]CCAAAAAGATAAAGAAGAACTTTCATTCTCAGAAGTAGAAGAACTATTTCTTCAGACAAC-3'
Protein context (NP_000042.3, residues 626-646): FFQSVPECEH[His636Pro]QKDKEELSFS